The following is an entry in ClinVar:

ClinVar aggregate classification (germline): Uncertain significance (1 of 4 stars; one submission).

Conditions:
Neurofibromatosis, type 1 (NF1). Also called: NEUROFIBROMATOSIS, TYPE I, SOMATIC; Neurofibromatosis, type I; Peripheral type neurofibromatosis; VON RECKLINGHAUSEN DISEASE. Identifiers: Orphanet 636, MedGen C0027831, MONDO:0018975, OMIM 162200. Disease mechanism: loss of function.

Allele frequency attached by ClinVar (database versions not stated): gnomAD 0.00001.
gnomAD v4.1: 1 of 1,614,034 alleles (0.000062%); highest among the groups gnomAD compares: Non-Finnish European, 0.000085%; no homozygotes.

Submission:

Labcorp Genetics (formerly Invitae), Labcorp
Classification: Uncertain significance for Neurofibromatosis, type 1. Last evaluated: 2021-12-23. Review status: criteria provided, single submitter. Criteria: Invitae Variant Classification Sherloc (09022015). Collection method: clinical testing. Allele origin: germline.
Comment: Algorithms developed to predict the effect of missense changes on protein structure and function are either unavailable or do not agree on the potential impact of this missense change (SIFT: "Tolerated"; PolyPhen-2: "Probably Damaging"; Align-GVGD: "Class C0"). This variant has not been reported in the literature in individuals affected with NF1-related conditions. This variant is present in population databases (no rsID available, gnomAD 0.007%). This sequence change replaces valine, which is neutral and non-polar, with leucine, which is neutral and non-polar, at codon 2154 of the NF1 protein (p.Val2154Leu). In summary, the available evidence is currently insufficient to determine the role of this variant in disease. Therefore, it has been classified as a Variant of Uncertain Significance.

NM_001042492.3(NF1):c.6523G>C (p.Val2175Leu)

Gene: NF1 (neurofibromin 1; plus strand). Cytogenetic location: 17q11.2.
Variant type: single nucleotide variant.
Coding change: c.6523G>C on transcript NM_001042492.3 (MANE Select); coding-DNA position 6523, G replaced by C.
Protein change: p.Val2175Leu; replaces valine 2175 with leucine.
Molecular consequence: missense variant.
Genome position (GRCh38, 1-based): chr17:31,337,463, G>C. VCF-style: chr17-31337463-G-C. GRCh37 (hg19) VCF-style: chr17-29664481-G-C.
Other names: c.6460G>C, p.Val2154Leu (NM_000267.4); short protein forms V2175L, V2154L.
Identifiers: ClinVar variation 2117493 (VCV002117493.4), dbSNP rs1454821167, ClinGen allele CA399013200.